The following is an entry in ClinVar:

NM_024580.6(EFL1):c.500A>G (p.Lys167Arg)

Gene: EFL1 (elongation factor like GTPase 1; minus strand). Cytogenetic location: 15q25.2.
Variant type: single nucleotide variant.
Coding change: c.500A>G on transcript NM_024580.6 (MANE Select); coding-DNA position 500, A replaced by G.
Protein change: p.Lys167Arg; replaces lysine 167 with arginine.
Molecular consequence: missense variant. On other transcripts: 5 prime UTR variant (1), non-coding transcript variant (1).
Genome position (GRCh38, 1-based): chr15:82,240,434, T>C on the plus strand (A>G on the coding strand, the complement: EFL1 is on the minus strand). VCF-style: chr15-82240434-T-C. GRCh37 (hg19) VCF-style: chr15-82532775-T-C.
Other names: c.347A>G, p.Lys116Arg (NM_001040610.3); c.-290A>G (NM_001322844.2); c.500A>G, p.Lys167Arg (NM_001322845.2); short protein forms K167R, K116R.
Identifiers: ClinVar variation 1977682 (VCV001977682.5), dbSNP rs1186679247, ClinGen allele CA393281549.
Genomic context (GRCh38, chr15:82,240,434, plus strand): 5'-TCTTCTTCGTGGCTAAATTTTTTAAATACTAAAAATTAAAATACCTGTTCTAAAATATTC[T>C]TGAGGTGAGAATAGGCCTCTTGTGGGGTGAATTTCAGTTCCACTATCAAGCGATCAATCT-3'
Protein context (NP_078856.4, residues 157-177): FTPQEAYSHL[Lys167Arg]NILEQINALT

ClinVar aggregate classification (germline): Uncertain significance (1 of 4 stars; one submission).

Allele frequency attached by ClinVar (database versions not stated): TOPMed below 0.00001; gnomAD 0.00001; gnomAD exomes 0.00001.
gnomAD v4.1: 6 of 1,604,650 alleles (0.00037%); highest among the groups gnomAD compares: East Asian, 0.0022%; 1 homozygote.

Submission:

Labcorp Genetics (formerly Invitae), Labcorp
Classification: Uncertain significance. Last evaluated: 2022-04-16. Review status: criteria provided, single submitter. Criteria: Invitae Variant Classification Sherloc (09022015). Collection method: clinical testing. Allele origin: germline.
Comment: In summary, the available evidence is currently insufficient to determine the role of this variant in disease. Therefore, it has been classified as a Variant of Uncertain Significance. Algorithms developed to predict the effect of missense changes on protein structure and function (SIFT, PolyPhen-2, Align-GVGD) all suggest that this variant is likely to be tolerated. This variant has not been reported in the literature in individuals affected with EFL1-related conditions. This variant is present in population databases (no rsID available, gnomAD 0.002%). This sequence change replaces lysine, which is basic and polar, with arginine, which is basic and polar, at codon 167 of the EFL1 protein (p.Lys167Arg).